The following is an entry in ClinVar:

NM_020778.5(ALPK3):c.3601G>A (p.Val1201Met)

Gene: ALPK3 (alpha kinase 3; plus strand). Cytogenetic location: 15q25.3.
Variant type: single nucleotide variant.
Coding change: c.3601G>A on transcript NM_020778.5 (MANE Select); coding-DNA position 3601, G replaced by A.
Protein change: p.Val1201Met; replaces valine 1201 with methionine.
Molecular consequence: missense variant.
Genome position (GRCh38, 1-based): chr15:84,858,339, G>A. VCF-style: chr15-84858339-G-A. GRCh37 (hg19) VCF-style: chr15-85401570-G-A.
Other names: short protein forms V1201M.
Identifiers: ClinVar variation 2790101 (VCV002790101.3), dbSNP rs563449464, ClinGen allele CA273625750.

ClinVar aggregate classification (germline): Uncertain significance (1 of 4 stars; one submission).

Allele frequency attached by ClinVar (database versions not stated): gnomAD 0.00001; gnomAD exomes below 0.00001; 1000 Genomes Project 0.00020; TOPMed below 0.00001; 1000 Genomes Project 30x 0.00016.
gnomAD v4.1: 3 of 1,558,112 alleles (0.00019%); highest among the groups gnomAD compares: African/African-American, 0.0014%; no homozygotes.

Submission:

Labcorp Genetics (formerly Invitae), Labcorp
Classification: Uncertain significance. Last evaluated: 2025-05-04. Review status: criteria provided, single submitter. Criteria: Invitae Variant Classification Sherloc (09022015). Collection method: clinical testing. Allele origin: germline.
Comment: This sequence change replaces valine, which is neutral and non-polar, with methionine, which is neutral and non-polar, at codon 1403 of the ALPK3 protein (p.Val1403Met). This variant is not present in population databases (gnomAD no frequency). This variant has not been reported in the literature in individuals affected with ALPK3-related conditions. ClinVar contains an entry for this variant (Variation ID: 2790101). Invitae Evidence Modeling of protein sequence and biophysical properties (such as structural, functional, and spatial information, amino acid conservation, physicochemical variation, residue mobility, and thermodynamic stability) indicates that this missense variant is not expected to disrupt ALPK3 protein function with a negative predictive value of 80%. In summary, the available evidence is currently insufficient to determine the role of this variant in disease. Therefore, it has been classified as a Variant of Uncertain Significance.